The following is an entry in ClinVar:

ClinVar aggregate classification (germline): Uncertain significance. Review status: criteria provided, multiple submitters, no conflicts (2 of 4 stars). 2 submissions from 2 submitters: Uncertain significance (2). Last evaluated 2023-12-01.

Conditions:
Brugada syndrome. Also called: Sudden unexplained nocturnal death syndrome; Sudden Unexplained Death Syndrome; Sudden Unexplained Nocturnal Death Syndrome (SUNDS); Sudden unexpected nocturnal death syndrome. Identifiers: Orphanet 130, MedGen C1142166, MONDO:0015263.
Hypertrichotic osteochondrodysplasia Cantu type. Also called: Cantu Syndrome; Cantú Syndrome. Identifiers: Orphanet 1517, MedGen C0795905, MONDO:0009406, OMIM 239850.

Allele frequency attached by ClinVar (database versions not stated): gnomAD exomes below 0.00001.
gnomAD v4.1: 1 of 1,614,204 alleles (0.000062%); highest among the groups gnomAD compares: Non-Finnish European, 0.000085%; no homozygotes.

Submissions (2):

Labcorp Genetics (formerly Invitae), Labcorp
Classification: Uncertain significance for Brugada syndrome. Last evaluated: 2023-12-01. Review status: criteria provided, single submitter. Criteria: Invitae Variant Classification Sherloc (09022015). Collection method: clinical testing. Allele origin: germline.
Comment: This sequence change replaces glutamic acid, which is acidic and polar, with glycine, which is neutral and non-polar, at codon 357 of the KCNJ8 protein (p.Glu357Gly). This variant is not present in population databases (gnomAD no frequency). This variant has not been reported in the literature in individuals affected with KCNJ8-related conditions. ClinVar contains an entry for this variant (Variation ID: 652685). Advanced modeling of protein sequence and biophysical properties (such as structural, functional, and spatial information, amino acid conservation, physicochemical variation, residue mobility, and thermodynamic stability) performed at Invitae indicates that this missense variant is not expected to disrupt KCNJ8 protein function with a negative predictive value of 80%. In summary, the available evidence is currently insufficient to determine the role of this variant in disease. Therefore, it has been classified as a Variant of Uncertain Significance.

Clinical Genomics Laboratory, Stanford Medicine
Classification: Uncertain significance for Hypertrichotic osteochondrodysplasia Cantu type. Last evaluated: 2022-05-27. Review status: criteria provided, single submitter. Criteria: ACMG Guidelines, 2015. Collection method: clinical testing. Allele origin: germline. Observed: 1 variant allele, 1 heterozygote.
Comment: The p.Glu357Gly variant in the KCNJ8 gene has not been previously reported in association with disease. This variant was absent from large population databases, including the Genome Aggregation Database This variant is present in ClinVar (Variation ID: 652685). Computational tools predict that this variant is deleterious; however, the accuracy of in silico algorithms is limited. These data were assessed using the ACMG/AMP variant interpretation guidelines. In summary, the significance of the p.Glu357Gly variant is uncertain. Additional information is needed to resolve the significance of this variant. [ACMG evidence codes used: PM2; PP3]

NM_004982.4(KCNJ8):c.1070A>G (p.Glu357Gly)

Genes: KCNJ8 (potassium inwardly rectifying channel subfamily J member 8; minus strand), KCNJ8-AS1 (KCNJ8 antisense RNA 1; plus strand). Cytogenetic location: 12p12.1.
Variant type: single nucleotide variant.
Coding change: c.1070A>G on transcript NM_004982.4 (MANE Select); coding-DNA position 1070, A replaced by G.
Protein change: p.Glu357Gly; replaces glutamic acid 357 with glycine.
Molecular consequence: missense variant.
Genome position (GRCh38, 1-based): chr12:21,765,928, T>C on the plus strand (A>G on the coding strand, the complement: KCNJ8 is on the minus strand). VCF-style: chr12-21765928-T-C. GRCh37 (hg19) VCF-style: chr12-21918862-T-C.
Other names: short protein forms E357G.
Identifiers: ClinVar variation 652685 (VCV000652685.9), dbSNP rs1591883003, ClinGen allele CA384122690.
Genomic context (GRCh38, chr12:21,765,928, plus strand): 5'-TGATGAGACAGTTCACTCTTTTGGAGGGTCTGAATAAGGATGGAAGGTTTCTCATCCAGC[T>C]CTCGGGCACTGCACCGTGGAGCAGCTACTTTAACAGTGTTGCCAAATTTGGAGTAATCCA-3'
Protein context (NP_004973.1, residues 347-367): KVAAPRCSAR[Glu357Gly]LDEKPSILIQ